The following is an entry in ClinVar:

NM_013382.7(POMT2):c.1763G>A (p.Arg588Gln)

Gene: POMT2 (protein O-mannosyltransferase 2; minus strand). Cytogenetic location: 14q24.3.
Variant type: single nucleotide variant.
Coding change: c.1763G>A on transcript NM_013382.7 (MANE Select); coding-DNA position 1763, G replaced by A.
Protein change: p.Arg588Gln; replaces arginine 588 with glutamine.
Molecular consequence: missense variant.
Genome position (GRCh38, 1-based): chr14:77,280,043, C>T on the plus strand (G>A on the coding strand, the complement: POMT2 is on the minus strand). VCF-style: chr14-77280043-C-T. GRCh37 (hg19) VCF-style: chr14-77746386-C-T.
Other names: short protein forms R588Q.
Identifiers: ClinVar variation 1704954 (VCV001704954.4), dbSNP rs551230843, ClinGen allele CA7285720.

ClinVar aggregate classification (germline): Uncertain significance. Review status: criteria provided, multiple submitters, no conflicts (2 of 4 stars). 2 submissions from 2 submitters: Uncertain significance (2). Last evaluated 2022-09-07.

Allele frequency attached by ClinVar (database versions not stated): gnomAD exomes 0.00002; ExAC 0.00004; gnomAD 0.00004; TOPMed 0.00005; 1000 Genomes Project 0.00040; 1000 Genomes Project 30x 0.00062.
gnomAD v4.1: 40 of 1,613,918 alleles (0.0025%); highest among the groups gnomAD compares: African/African-American, 0.0067%; no homozygotes.

Submissions (2):

GeneDx
Classification: Uncertain significance. Last evaluated: 2022-09-07. Review status: criteria provided, single submitter. Criteria: GeneDx Variant Classification Process June 2021. Collection method: clinical testing. Allele origin: germline. Affected: yes.
Comment: Not observed at significant frequency in large population cohorts (gnomAD); In silico analysis supports that this missense variant has a deleterious effect on protein structure/function; Has not been previously published as pathogenic or benign to our knowledge

Revvity Omics, Revvity
Classification: Uncertain significance. Last evaluated: 2019-08-20. Review status: criteria provided, single submitter. Criteria: ACMG Guidelines, 2015. Collection method: clinical testing. Allele origin: germline.